The following is an entry in ClinVar:

NM_080605.4(B3GALT6):c.141_142delinsTT (p.Pro48Ser)

Gene: B3GALT6 (beta-1,3-galactosyltransferase 6; plus strand). Cytogenetic location: 1p36.33.
Variant type: Indel.
Coding change: c.141_142delinsTT on transcript NM_080605.4 (MANE Select); coding-DNA positions 141 to 142, GC replaced by TT.
Protein change: p.Pro48Ser; replaces proline 48 with serine.
Molecular consequence: missense variant.
Genome position (GRCh38, 1-based): chr1:1,232,419-1,232,420, GC replaced by TT. VCF-style: chr1-1232419-GC-TT. GRCh37 (hg19) VCF-style: chr1-1167799-GC-TT.
Other names: short protein forms P48S.
Identifiers: ClinVar variation 2945116 (VCV002945116.1), dbSNP rs2521962294, ClinGen allele CA2740090555.

ClinVar aggregate classification (germline): Uncertain significance (1 of 4 stars; one submission).

Conditions:
Ehlers-Danlos syndrome, spondylodysplastic type, 2 (EDSSPD2). Also called: Ehlers-Danlos syndrome, progeroid type, 2. Identifiers: Orphanet 536467, Orphanet 75496, MedGen C3809210, MONDO:0014139, OMIM 615349.
Spondyloepimetaphyseal dysplasia with joint laxity (SEMDJL). Identifiers: MedGen C0432243, MONDO:0019675.

Submission:

Labcorp Genetics (formerly Invitae), Labcorp
Classification: Uncertain significance for Ehlers-Danlos syndrome, spondylodysplastic type, 2; Spondyloepimetaphyseal dysplasia with joint laxity. Last evaluated: 2023-03-08. Review status: criteria provided, single submitter. Criteria: Invitae Variant Classification Sherloc (09022015). Collection method: clinical testing. Allele origin: germline.
Comment: In summary, the available evidence is currently insufficient to determine the role of this variant in disease. Therefore, it has been classified as a Variant of Uncertain Significance. Experimental studies and prediction algorithms are not available or were not evaluated, and the functional significance of this variant is currently unknown. This variant has not been reported in the literature in individuals affected with B3GALT6-related conditions. The frequency data for this variant in the population databases is considered unreliable, as metrics indicate insufficient coverage at this position in the gnomAD database. This sequence change replaces proline, which is neutral and non-polar, with serine, which is neutral and polar, at codon 48 of the B3GALT6 protein (p.Pro48Ser).